The following is an entry in ClinVar:

ClinVar aggregate classification (germline): Uncertain significance (1 of 4 stars; one submission).

gnomAD v4.1: 18 of 1,613,946 alleles (0.0011%); highest among the groups gnomAD compares: Non-Finnish European, 0.0012%; no homozygotes.

Submission:

Labcorp Genetics (formerly Invitae), Labcorp
Classification: Uncertain significance. Last evaluated: 2022-12-30. Review status: criteria provided, single submitter. Criteria: Invitae Variant Classification Sherloc (09022015). Collection method: clinical testing. Allele origin: germline.
Comment: This sequence change replaces proline, which is neutral and non-polar, with leucine, which is neutral and non-polar, at codon 890 of the C3 protein (p.Pro890Leu). In summary, the available evidence is currently insufficient to determine the role of this variant in disease. Therefore, it has been classified as a Variant of Uncertain Significance. Advanced modeling of protein sequence and biophysical properties (such as structural, functional, and spatial information, amino acid conservation, physicochemical variation, residue mobility, and thermodynamic stability) performed at Invitae indicates that this missense variant is expected to disrupt C3 protein function. ClinVar contains an entry for this variant (Variation ID: 1380704). This variant has not been reported in the literature in individuals affected with C3-related conditions. This variant is present in population databases (rs753876258, gnomAD 0.004%).

NM_000064.4(C3):c.2669C>T (p.Pro890Leu)

Gene: C3 (complement C3; minus strand). Cytogenetic location: 19p13.3.
Variant type: single nucleotide variant.
Coding change: c.2669C>T on transcript NM_000064.4 (MANE Select); coding-DNA position 2669, C replaced by T.
Protein change: p.Pro890Leu; replaces proline 890 with leucine.
Molecular consequence: missense variant.
Genome position (GRCh38, 1-based): chr19:6,697,471, G>A on the plus strand (C>T on the coding strand, the complement: C3 is on the minus strand). VCF-style: chr19-6697471-G-A. GRCh37 (hg19) VCF-style: chr19-6697482-G-A.
Other names: short protein forms P890L.
Identifiers: ClinVar variation 1380704 (VCV001380704.6), dbSNP rs753876258, ClinGen allele CA9129003.